The following is an entry in ClinVar:

NM_000038.6(APC):c.315C>T (p.Ser105=)

Gene: APC (APC regulator of Wnt signaling pathway; plus strand). Cytogenetic location: 5q22.2.
Variant type: single nucleotide variant.
Coding change: c.315C>T on transcript NM_000038.6 (MANE Select); coding-DNA position 315, C replaced by T.
Protein change: p.Ser105=; no amino-acid change (serine 105 retained).
Molecular consequence: synonymous variant. On other transcripts: 5 prime UTR variant (4), non-coding transcript variant (2).
Genome position (GRCh38, 1-based): chr5:112,767,283, C>T. VCF-style: chr5-112767283-C-T. GRCh37 (hg19) VCF-style: chr5-112102980-C-T.
Other names: c.315C>T, p.Ser105= (NM_001127510.3, NM_001354895.2, NM_001354896.2 and 16 more transcripts); c.345C>T, p.Ser115= (NM_001127511.3, NM_001354897.2, NM_001354902.2 and 1 more transcripts); c.240C>T, p.Ser80= (NM_001354898.2, NM_001354904.2, NM_001407451.1); c.138C>T, p.Ser46= (NM_001354900.2, NM_001354901.2, NM_001354905.2 and 1 more transcripts); c.-721C>T (NM_001354906.2, NM_001407470.1, NM_001407471.1 and 1 more transcripts).
Identifiers: ClinVar variation 1728278 (VCV001728278.7), dbSNP rs2149788619, ClinGen allele CA445753337.

ClinVar aggregate classification (germline): Benign/Likely benign. Review status: criteria provided, multiple submitters, no conflicts (2 of 4 stars). 3 submissions from 3 submitters: Benign (1); Likely benign (2). Last evaluated 2025-04-30.

Conditions:
Familial adenomatous polyposis 1 (FAP1). Also called: FAMILIAL ADENOMATOUS POLYPOSIS 1, ATTENUATED; POLYPOSIS, ADENOMATOUS INTESTINAL. Identifiers: MedGen C2713442, MONDO:0021056, OMIM 175100. Disease mechanism: loss of function.
Hereditary cancer-predisposing syndrome. Also called: Tumor predisposition; Neoplastic Syndromes, Hereditary; Hereditary Cancer Syndrome; Hereditary neoplastic syndrome. Identifiers: Orphanet 140162, MedGen C0027672, MeSH D009386, MONDO:0015356.

Submissions (3):

Labcorp Genetics (formerly Invitae), Labcorp
Classification: Likely benign for Familial adenomatous polyposis 1. Last evaluated: 2025-04-30. Review status: criteria provided, single submitter. Criteria: Invitae Variant Classification Sherloc (09022015). Collection method: clinical testing. Allele origin: germline.

Myriad Genetics, Inc.
Classification: Benign for Familial adenomatous polyposis 1. Last evaluated: 2024-02-22. Review status: criteria provided, single submitter. Criteria: Myriad Autosomal Dominant, Autosomal Recessive and X-Linked Classification Criteria (2023). Collection method: clinical testing. Allele origin: unknown.
Comment: This variant is considered benign. This variant is a silent/synonymous amino acid change and it is not expected to impact splicing.

Ambry Genetics
Classification: Likely benign for Hereditary cancer-predisposing syndrome. Last evaluated: 2020-07-18. Review status: criteria provided, single submitter. Criteria: Ambry Variant Classification Scheme 2023. Collection method: clinical testing. Allele origin: germline.